The following is an entry in ClinVar:

ClinVar aggregate classification (germline): Uncertain significance. Review status: criteria provided, multiple submitters, no conflicts (2 of 4 stars). 3 submissions from 3 submitters: Uncertain significance (3). Last evaluated 2023-03-07.

Allele frequency attached by ClinVar (database versions not stated): gnomAD 0.00001; gnomAD exomes 0.00001 and 0.00002; TOPMed 0.00001.
gnomAD v4.1: 12 of 1,612,666 alleles (0.00074%); highest among the groups gnomAD compares: Admixed American, 0.01%; no homozygotes.

Submissions (3):

GeneDx
Classification: Uncertain significance. Last evaluated: 2023-03-07. Review status: criteria provided, single submitter. Criteria: GeneDx Variant Classification Process June 2021. Collection method: clinical testing. Allele origin: germline. Affected: yes.
Comment: This variant is associated with the following publications: (PMID: 30847666)

Revvity Omics, Revvity
Classification: Uncertain significance. Last evaluated: 2019-06-19. Review status: criteria provided, single submitter. Criteria: ACMG Guidelines, 2015. Collection method: clinical testing. Allele origin: germline.

CeGaT Center for Human Genetics Tuebingen
Classification: Uncertain significance. Last evaluated: 2017-03-01. Review status: criteria provided, single submitter. Criteria: CeGaT Center For Human Genetics Tuebingen Variant Classification Criteria Version 2. Collection method: clinical testing. Allele origin: germline. Affected: yes. Observed: 1 variant allele.

NM_001267550.2(TTN):c.51617C>A (p.Thr17206Asn)

Genes: TTN (titin; minus strand), TTN-AS1 (TTN antisense RNA 1; plus strand). Cytogenetic location: 2q31.2.
Variant type: single nucleotide variant.
Coding change: c.51617C>A on transcript NM_001267550.2 (MANE Select); coding-DNA position 51617, C replaced by A.
Protein change: p.Thr17206Asn; replaces threonine 17206 with asparagine.
Molecular consequence: missense variant.
Genome position (GRCh38, 1-based): chr2:178,609,806, G>T on the plus strand (C>A on the coding strand, the complement: TTN is on the minus strand). VCF-style: chr2-178609806-G-T. GRCh37 (hg19) VCF-style: chr2-179474533-G-T.
Other names: c.46694C>A, p.Thr15565Asn (NM_001256850.1); c.24422C>A, p.Thr8141Asn (NM_003319.4); c.43913C>A, p.Thr14638Asn (NM_133378.4); c.24797C>A, p.Thr8266Asn (NM_133432.3); c.24998C>A, p.Thr8333Asn (NM_133437.4); c.51617C>A (NM_001267550.1); short protein forms T17206N, T15565N, T8333N, T14638N, T8141N, T8266N.
Identifiers: ClinVar variation 444541 (VCV000444541.46), dbSNP rs1305177155, ClinGen allele CA349583840.